The following is an entry in ClinVar:

NM_000310.4(PPT1):c.114G>A (p.Trp38Ter)

Gene: PPT1 (palmitoyl-protein thioesterase 1; minus strand). Cytogenetic location: 1p34.2.
Variant type: single nucleotide variant.
Coding change: c.114G>A on transcript NM_000310.4 (MANE Select); coding-DNA position 114, G replaced by A.
Protein change: p.Trp38Ter; replaces tryptophan 38 with a stop codon.
Molecular consequence: nonsense.
Genome position (GRCh38, 1-based): chr1:40,097,125, C>T on the plus strand (G>A on the coding strand, the complement: PPT1 is on the minus strand). VCF-style: chr1-40097125-C-T. GRCh37 (hg19) VCF-style: chr1-40562797-C-T.
Other names: c.114G>A, p.Trp38Ter (NM_001142604.2, NM_001363695.2); short protein forms W38*.
Identifiers: ClinVar variation 56143 (VCV000056143.3), dbSNP rs386833626, ClinGen allele CA263458.
Genomic context (GRCh38, chr1:40,097,125, plus strand): 5'-CTAGGAAGAGAGAGAATCGCCAAACCCTTTTAAATTTCTCACTCACTCACCCATCCCATG[C>T]CAGATCACCAACGGCAGCGGCGCCGGCGGGTCCAGATGCTGCAGCGCCCGAGAAGCGCAG-3'

ClinVar aggregate classification (germline): Pathogenic. Review status: criteria provided, single submitter (1 of 4 stars). 2 submissions from 2 submitters: Pathogenic (1). 1 of the submissions does not count toward it. Last evaluated 2024-11-12.

Conditions:
Neuronal ceroid lipofuscinosis. Also called: Neuronal Ceroid Lipofuscinoses. Identifiers: Orphanet 216, Orphanet 79263, MedGen C0027877, MONDO:0016295. Disease mechanism: loss of function.
Neuronal ceroid lipofuscinosis 1 (CLN1). Also called: CEROID LIPOFUSCINOSIS, NEURONAL, 1, VARIABLE AGE AT ONSET; PPT1-Related Neuronal Ceroid-Lipofuscinosis. Identifiers: Orphanet 228329, MedGen C1850451, MONDO:0009744, OMIM 256730.

Submissions (2):

Women's Health and Genetics/Laboratory Corporation of America, LabCorp
Classification: Pathogenic for Neuronal ceroid lipofuscinosis. Last evaluated: 2024-11-12. Review status: criteria provided, single submitter. Criteria: LabCorp Variant Classification Summary - May 2015. Collection method: clinical testing. Allele origin: germline.
Comment: Variant summary: PPT1 c.114G>A (p.Trp38X) results in a premature termination codon, predicted to cause absence of the protein due to nonsense mediated decay, which is a commonly known mechanism for disease. The variant was absent in 250788 control chromosomes (gnomAD). c.114G>A has been reported in the literature in an individual affected with Neuronal Ceroid-Lipofuscinosis (Batten Disease; Kousi_2012). These data indicate that the variant may be associated with disease. The following publication has been ascertained in the context of this evaluation (PMID: 21990111). ClinVar contains an entry for this variant (Variation ID: 56143). Based on the evidence outlined above, the variant was classified as pathogenic.

Juha Muilu Group; Institute for Molecular Medicine Finland (FIMM)
Classification: Likely pathogenic for Ceroid lipofuscinosis neuronal 1. Review status: no assertion criteria provided. Collection method: not provided. Allele origin: unknown. Not counted in ClinVar's aggregate classification.
Comment: FinDis database variant: This variant was not found or characterized by our laboratory, data were collected from public sources: see reference
ClinVar note: Converted during submission from probable-pathogenic to Likely pathogenic.

Literature cited by the submitters: PubMed 21990111 (cited by Women's Health and Genetics/Laboratory Corporation of America, LabCorp).